The following is an entry in ClinVar:

ClinVar aggregate classification (germline): Benign/Likely benign. Review status: criteria provided, multiple submitters, no conflicts (2 of 4 stars). 12 submissions from 12 submitters: Benign (3); Likely benign (8). 1 of the submissions does not count toward it. Last evaluated 2026-01-05.

Conditions:
Central hypoventilation syndrome, congenital, 1, with or without Hirschsprung disease (CCHS1). Also called: Congenital Central Hypoventilation Syndrome (CCHS); CENTRAL HYPOVENTILATION SYNDROME, CONGENITAL, 1; Central hypoventilation syndrome, congenital, 1, with or without Hirschsprung; AUTONOMIC CONTROL, CONGENITAL FAILURE OF; ONDINE CURSE, CONGENITAL. Identifiers: Orphanet 661, MedGen C5562075, MONDO:0800026, OMIM 209880.
Neuroblastoma, susceptibility to, 2. Identifiers: Orphanet 635, MedGen C2751682, MONDO:0700041, OMIM 613013.
Hereditary cancer-predisposing syndrome. Also called: Neoplastic Syndromes, Hereditary; Hereditary Cancer Syndrome; Tumor predisposition; Hereditary neoplastic syndrome. Identifiers: Orphanet 140162, MedGen C0027672, MeSH D009386, MONDO:0015356.
Haddad syndrome (OHD). Also called: Ondine-Hirschsprung disease. Identifiers: Orphanet 99803, MedGen C1859049, MONDO:0020493.

Submissions (12):

Labcorp Genetics (formerly Invitae), Labcorp
Classification: Likely benign for Haddad syndrome. Last evaluated: 2026-01-05. Review status: criteria provided, single submitter. Criteria: Invitae Variant Classification Sherloc (09022015). Collection method: clinical testing. Allele origin: germline.

CeGaT Center for Human Genetics Tuebingen
Classification: Benign. Last evaluated: 2025-07-01. Review status: criteria provided, single submitter. Criteria: CeGaT Center For Human Genetics Tuebingen Variant Classification Criteria Version 2. Collection method: clinical testing. Allele origin: germline. Affected: yes. Observed: 4 variant alleles.
Comment: PHOX2B: BS1, BS2

Blueprint Genetics
Classification: Likely benign. Last evaluated: 2024-11-23. Review status: criteria provided, single submitter. Criteria: ACMG Guidelines, 2015. Collection method: clinical testing. Allele origin: germline.

ARUP Laboratories, Molecular Genetics and Genomics, ARUP Laboratories
Classification: Likely benign. Last evaluated: 2023-11-29. Review status: criteria provided, single submitter. Criteria: ARUP Molecular Germline Variant Investigation Process 2024. Collection method: clinical testing. Allele origin: germline.

Women's Health and Genetics/Laboratory Corporation of America, LabCorp
Classification: Benign. Last evaluated: 2022-10-27. Review status: criteria provided, single submitter. Criteria: LabCorp Variant Classification Summary - May 2015. Collection method: clinical testing. Allele origin: germline.
Comment: Variant summary: PHOX2B c.741_758del18 (p.Ala255_Ala260del) results in an in-frame deletion that is predicted to remove 6 Alanines in a Alanine repeat region from the encoded protein. The variant allele was found at a frequency of 0.0018 in 13430 control chromosomes in the gnomAD database, including 2 homozygotes. The observed variant frequency is approximately 2144 fold of the estimated maximal expected allele frequency for a pathogenic variant in PHOX2B causing Neuroblastoma, Susceptibility Type, 2 phenotype (8.3e-07), strongly suggesting that the variant is benign. To our knowledge, no occurrence of c.741_758del18 in individuals affected with Neuroblastoma, Susceptibility Type, 2 and no experimental evidence demonstrating its impact on protein function have been reported. Six clinical diagnostic laboratories have submitted clinical-significance assessments for this variant to ClinVar after 2014 without evidence for independent evaluation. All laboratories classified the variant as benign/likely benign. Based on the evidence outlined above, the variant was classified as benign.

Fulgent Genetics
Classification: Likely benign for Central hypoventilation syndrome, congenital, 1, with or without Hirschsprung disease; Neuroblastoma, susceptibility to, 2. Last evaluated: 2022-02-25. Review status: criteria provided, single submitter. Criteria: ACMG Guidelines, 2015. Collection method: clinical testing. Allele origin: unknown.

Sema4
Classification: Likely benign for Hereditary cancer-predisposing syndrome. Last evaluated: 2021-03-22. Review status: criteria provided, single submitter. Criteria: Sema4 Curation Guidelines. Collection method: curation. Allele origin: germline.

Ambry Genetics
Classification: Likely benign for Hereditary cancer-predisposing syndrome. Last evaluated: 2019-04-16. Review status: criteria provided, single submitter. Criteria: Ambry Variant Classification Scheme 2023. Collection method: clinical testing. Allele origin: germline.

GeneDx
Classification: Likely benign. Last evaluated: 2017-08-14. Review status: criteria provided, single submitter. Criteria: GeneDx Variant Classification (06012015). Collection method: clinical testing. Allele origin: germline. Affected: yes.
Comment: This variant is considered likely benign or benign based on one or more of the following criteria: it is a conservative change, it occurs at a poorly conserved position in the protein, it is predicted to be benign by multiple in silico algorithms, and/or has population frequency not consistent with disease.

Laboratory for Molecular Medicine, Mass General Brigham Personalized Medicine
Classification: Benign. Last evaluated: 2015-12-10. Review status: criteria provided, single submitter. Criteria: LMM Criteria. Collection method: clinical testing. Allele origin: germline. Observed: 2 variant alleles.
Comment: This variant represents a benign variant of the poly-alanine repeat in PHOX2 (14 of 20 repeat units). It is benign per Development and Validation Report for PH OX2B "PHOX2b contains 2 polyalanine repeats of 9 alanines and 20 alanines within exon 3. Expansions within the 20 alanine stretch are pathogenic and cause Centr al Hyopventilation Syndrome but cannot be accurately detected via NGS". Variant s of 9, 13,14 and 15 repeat units have been observed but are benign (genereviews )

PreventionGenetics, part of Exact Sciences
Classification: Likely benign. Review status: criteria provided, single submitter. Criteria: ACMG Guidelines, 2015. Collection method: clinical testing. Allele origin: germline.

Department of Pathology and Laboratory Medicine, Sinai Health System
Classification: Likely benign. Review status: no assertion criteria provided. Collection method: clinical testing. Allele origin: unknown. Affected: yes. Study: The Canadian Open Genetics Repository (COGR). Not counted in ClinVar's aggregate classification.
Comment: The PHOX2B p.Ala248_Ala253del variant was not identified in the literature but was identified in dbSNP (ID: rs771383153) and ClinVar (classified as likely benign by Prevention Genetics, GeneDx, Ambry Genetics, and Invitae; and as benign by Laboratory for Molecular Medicine). The variant was identified in control databases in 40 of 39290 chromosomes (2 homozygous) at a frequency of 0.001018 (Genome Aggregation Database March 6, 2019, v2.1.1). This variant is an in-frame deletion resulting in the removal of alanine residues from codons 248 to 253; this deletion occurs within an alanine repeat region. In summary, based on the above information the clinical significance of this variant cannot be determined with certainty at this time although we would lean towards a more benign role for this variant. This variant is classified as likely benign.

Literature cited by the submitters: PubMed 20208042 (cited by Ambry Genetics).

NM_003924.4(PHOX2B):c.741_758del (p.Ala255_Ala260del)

Genes: PHOX2B (paired like homeobox 2B; minus strand), LOC110011216 (paired like homeobox 2b polyalanine repeat instability region; plus strand). Cytogenetic location: 4p13.
Variant type: Deletion.
Coding change: c.741_758del on transcript NM_003924.4 (MANE Select); coding-DNA positions 741 to 758, 18 bases deleted (CGCGGCAGCGGCGGCGGC).
Protein change: p.Ala255_Ala260del.
Molecular consequence: inframe deletion.
Genome position (GRCh38, 1-based): chr4:41,745,994-41,746,011, GCCGCCGCCGCTGCCGCG deleted on the plus strand (CGCGGCAGCGGCGGCGGC on the coding strand, the reverse complement: PHOX2B is on the minus strand); deleting any 18 consecutive bases within chr4:41,745,994-41,746,025 gives the same sequence; the c. name uses the placement nearest the transcript's 3' end. VCF-style (leftmost placement, unchanged base first): chr4-41745993-CGCCGCCGCCGCTGCCGCG-C. GRCh37 (hg19) VCF-style: chr4-41748010-CGCCGCCGCCGCTGCCGCG-C.
Other names: c.741_758del18 (NM_003924.3); c.741_758delCGCGGCAGCGGCGGCGGC (NM_003924.3).
Identifiers: ClinVar variation 227016 (VCV000227016.54), dbSNP rs771383153, ClinGen allele CA2901441.